The following is an entry in ClinVar:

NM_000179.3(MSH6):c.3526A>C (p.Arg1176=)

Gene: MSH6 (mutS homolog 6; plus strand). Cytogenetic location: 2p16.3.
Variant type: single nucleotide variant.
Coding change: c.3526A>C on transcript NM_000179.3 (MANE Select); coding-DNA position 3526, A replaced by C.
Protein change: p.Arg1176=; no amino-acid change (arginine 1176 retained).
Molecular consequence: synonymous variant.
Genome position (GRCh38, 1-based): chr2:47,804,997, A>C. VCF-style: chr2-47804997-A-C. GRCh37 (hg19) VCF-style: chr2-48032136-A-C.
Other names: c.3136A>C, p.Arg1046= (NM_001281492.2); c.2620A>C, p.Arg874= (NM_001281493.2, NM_001281494.2).
Identifiers: ClinVar variation 187746 (VCV000187746.19), dbSNP rs786203968, ClinGen allele CA013298.

ClinVar aggregate classification (germline): Benign/Likely benign. Review status: criteria provided, multiple submitters, no conflicts (2 of 4 stars). 4 submissions from 4 submitters: Benign (1); Likely benign (3). Last evaluated 2025-07-02.

Conditions:
Hereditary nonpolyposis colorectal neoplasms. Identifiers: MedGen C0009405, MeSH D003123.
Hereditary cancer-predisposing syndrome. Also called: Neoplastic Syndromes, Hereditary; Tumor predisposition; Hereditary Cancer Syndrome; Hereditary neoplastic syndrome. Identifiers: Orphanet 140162, MedGen C0027672, MeSH D009386, MONDO:0015356.
Lynch syndrome 5 (LYNCH5). Also called: Colorectal cancer, hereditary nonpolyposis, type 5; Hereditary non-polyposis colorectal cancer, type 5. Identifiers: Orphanet 144, MedGen C1833477, MONDO:0013710, OMIM 614350. Disease mechanism: loss of function.

Submissions (4):

Labcorp Genetics (formerly Invitae), Labcorp
Classification: Likely benign for Hereditary nonpolyposis colorectal neoplasms. Last evaluated: 2025-07-02. Review status: criteria provided, single submitter. Criteria: Invitae Variant Classification Sherloc (09022015). Collection method: clinical testing. Allele origin: germline.

Myriad Genetics, Inc.
Classification: Benign for Lynch syndrome 5. Last evaluated: 2025-01-07. Review status: criteria provided, single submitter. Criteria: Myriad Autosomal Dominant, Autosomal Recessive and X-Linked Classification Criteria (2023). Collection method: clinical testing. Allele origin: unknown.
Comment: This variant is considered benign. This variant is a silent/synonymous amino acid change and it is not expected to impact splicing.

Color Diagnostics, LLC DBA Color Health
Classification: Likely benign for Hereditary cancer-predisposing syndrome. Last evaluated: 2017-05-06. Review status: criteria provided, single submitter. Criteria: ACMG Guidelines, 2015. Collection method: clinical testing. Allele origin: germline.

Ambry Genetics
Classification: Likely benign for Hereditary cancer-predisposing syndrome. Last evaluated: 2014-12-31. Review status: criteria provided, single submitter. Criteria: Ambry Variant Classification Scheme 2023. Collection method: clinical testing. Allele origin: germline.